The following is an entry in ClinVar:

NM_003047.5(SLC9A1):c.1890G>T (p.Glu630Asp)

Gene: SLC9A1 (solute carrier family 9 member A1; minus strand). Cytogenetic location: 1p36.11.
Variant type: single nucleotide variant.
Coding change: c.1890G>T on transcript NM_003047.5 (MANE Select); coding-DNA position 1890, G replaced by T.
Protein change: p.Glu630Asp; replaces glutamic acid 630 with aspartic acid.
Molecular consequence: missense variant. On other transcripts: non-coding transcript variant (1).
Genome position (GRCh38, 1-based): chr1:27,102,061, C>A on the plus strand (G>T on the coding strand, the complement: SLC9A1 is on the minus strand). VCF-style: chr1-27102061-C-A. GRCh37 (hg19) VCF-style: chr1-27428552-C-A.
Other names: short protein forms E630D.
Identifiers: ClinVar variation 2063483 (VCV002063483.4), dbSNP rs2523103500, ClinGen allele CA339180946.

ClinVar aggregate classification (germline): Uncertain significance (1 of 4 stars; one submission).

Submission:

Labcorp Genetics (formerly Invitae), Labcorp
Classification: Uncertain significance. Last evaluated: 2022-08-06. Review status: criteria provided, single submitter. Criteria: Invitae Variant Classification Sherloc (09022015). Collection method: clinical testing. Allele origin: germline.
Comment: In summary, the available evidence is currently insufficient to determine the role of this variant in disease. Therefore, it has been classified as a Variant of Uncertain Significance. Algorithms developed to predict the effect of missense changes on protein structure and function are either unavailable or do not agree on the potential impact of this missense change (SIFT: "Tolerated"; PolyPhen-2: "Probably Damaging"; Align-GVGD: "Class C0"). This variant has not been reported in the literature in individuals affected with SLC9A1-related conditions. This variant is not present in population databases (gnomAD no frequency). This sequence change replaces glutamic acid, which is acidic and polar, with aspartic acid, which is acidic and polar, at codon 630 of the SLC9A1 protein (p.Glu630Asp).